The following is an entry in ClinVar:

NM_020937.4(FANCM):c.4826A>C (p.Asp1609Ala)

Gene: FANCM (FA complementation group M; plus strand). Cytogenetic location: 14q21.2.
Variant type: single nucleotide variant.
Coding change: c.4826A>C on transcript NM_020937.4 (MANE Select); coding-DNA position 4826, A replaced by C.
Protein change: p.Asp1609Ala; replaces aspartic acid 1609 with alanine.
Molecular consequence: missense variant.
Genome position (GRCh38, 1-based): chr14:45,188,848, A>C. VCF-style: chr14-45188848-A-C. GRCh37 (hg19) VCF-style: chr14-45658051-A-C.
Other names: c.4748A>C, p.Asp1583Ala (NM_001308133.2); short protein forms D1609A, D1583A.
Identifiers: ClinVar variation 4022732 (VCV004022732.1).

ClinVar aggregate classification (germline): Uncertain significance (1 of 4 stars; one submission).

Conditions:
Inborn genetic diseases. Identifiers: MedGen C0950123, MeSH D030342.

Submission:

Ambry Genetics
Classification: Uncertain significance for Inborn genetic diseases. Last evaluated: 2025-04-28. Review status: criteria provided, single submitter. Criteria: Ambry Variant Classification Scheme 2023. Collection method: clinical testing. Allele origin: germline.
Comment: The p.D1609A variant (also known as c.4826A>C), located in coding exon 20 of the FANCM gene, results from an A to C substitution at nucleotide position 4826. The aspartic acid at codon 1609 is replaced by alanine, an amino acid with dissimilar properties. This amino acid position is conserved. In addition, this alteration is predicted to be tolerated by in silico analysis. Based on the available evidence, the clinical significance of this variant remains unclear.